The following is an entry in ClinVar:

ClinVar aggregate classification (germline): Pathogenic (1 of 4 stars; one submission).

Conditions:
Junctional epidermolysis bullosa. Identifiers: Orphanet 305, MedGen C0079301, MONDO:0017612.

Submission:

Myriad Genetics, Inc.
Classification: Pathogenic for Junctional epidermolysis bullosa. Last evaluated: 2023-08-17. Review status: criteria provided, single submitter. Criteria: Myriad Autosomal Dominant, Autosomal Recessive and X-Linked Classification Criteria (2023). Collection method: clinical testing. Allele origin: unknown.
Comment: NM_005562.2(LAMC2):c.2887delG(D963Tfs*11) is expected to be pathogenic in the context of junctional epidermolysis bullosa, LAMC2-related. This variant is predicted to lead to an abnormal or absent protein product due to the creation of a premature termination codon in LAMC2, a gene where loss-of-function variants are known to be pathogenic. Please note: this variant was assessed in the context of healthy population screening.

NM_005562.3(LAMC2):c.2887del (p.Asp963fs)

Gene: LAMC2 (laminin subunit gamma 2; plus strand). Cytogenetic location: 1q25.3.
Variant type: Deletion.
Coding change: c.2887del on transcript NM_005562.3 (MANE Select); coding-DNA position 2887, one base deleted (G; older notation c.2887delG).
Protein change: p.Asp963fs; shifts the reading frame from aspartic acid 963.
Molecular consequence: frameshift variant.
Genome position (GRCh38, 1-based): chr1:183,239,381, G deleted; the last of 2 consecutive G bases (chr1:183,239,380-183,239,381); deleting either gives the same sequence. VCF-style (leftmost placement, unchanged base first): chr1-183239379-TG-T. GRCh37 (hg19) VCF-style: chr1-183208514-TG-T.
Other names: c.2887del, p.Asp963fs (NM_018891.3); short protein forms D963fs.
Identifiers: ClinVar variation 5011378 (VCV005011378.1).